The following is an entry in ClinVar:

NM_018979.4(WNK1):c.2072C>A (p.Pro691Gln)

Gene: WNK1 (WNK lysine deficient protein kinase 1; plus strand). Cytogenetic location: 12p13.33.
Variant type: single nucleotide variant.
Coding change: c.2072C>A on transcript NM_018979.4 (MANE Select); coding-DNA position 2072, C replaced by A.
Protein change: p.Pro691Gln; replaces proline 691 with glutamine.
Molecular consequence: missense variant.
Genome position (GRCh38, 1-based): chr12:862,203, C>A. VCF-style: chr12-862203-C-A. GRCh37 (hg19) VCF-style: chr12-971369-C-A.
Other names: c.2072C>A, p.Pro691Gln (NM_001184985.2, NM_014823.3, NM_213655.5); short protein forms P691Q.
Identifiers: ClinVar variation 2921661 (VCV002921661.3), dbSNP rs2548679470, ClinGen allele CA383336551.

ClinVar aggregate classification (germline): Uncertain significance (1 of 4 stars; one submission).

Conditions:
Neuropathy, hereditary sensory and autonomic, type 2A (HSAN2A). Also called: HSAN IIA; WNK1-Related HSAN2 (HSAN2A); ACROOSTEOLYSIS, GIACCAI TYPE; ACROOSTEOLYSIS, NEUROGENIC; MORVAN DISEASE; NEUROPATHY, CONGENITAL SENSORY. Identifiers: Orphanet 970, MedGen C2752089, MONDO:0024309, OMIM 201300.
Pseudohypoaldosteronism type 2C (PHA2C). Also called: Pseudohypoaldosteronism Type IIC. Identifiers: Orphanet 757, Orphanet 88940, MedGen C1840391, MONDO:0013778, OMIM 614492.

Allele frequency attached by ClinVar (database versions not stated): gnomAD exomes below 0.00001.
gnomAD v4.1: 2 of 1,614,022 alleles (0.00012%); highest among the groups gnomAD compares: Non-Finnish European, 0.00017%; no homozygotes.

Submission:

Labcorp Genetics (formerly Invitae), Labcorp
Classification: Uncertain significance for Neuropathy, hereditary sensory and autonomic, type 2A; Pseudohypoaldosteronism type 2C. Last evaluated: 2023-12-23. Review status: criteria provided, single submitter. Criteria: Invitae Variant Classification Sherloc (09022015). Collection method: clinical testing. Allele origin: germline.
Comment: This sequence change replaces proline, which is neutral and non-polar, with glutamine, which is neutral and polar, at codon 691 of the WNK1 protein (p.Pro691Gln). This variant is not present in population databases (gnomAD no frequency). This variant has not been reported in the literature in individuals affected with WNK1-related conditions. Advanced modeling of protein sequence and biophysical properties (such as structural, functional, and spatial information, amino acid conservation, physicochemical variation, residue mobility, and thermodynamic stability) performed at Invitae indicates that this missense variant is not expected to disrupt WNK1 protein function with a negative predictive value of 95%. In summary, the available evidence is currently insufficient to determine the role of this variant in disease. Therefore, it has been classified as a Variant of Uncertain Significance.